The following is an entry in ClinVar:

NM_001312909.2(FAM111A):c.931A>T (p.Ile311Phe)

Genes: FAM111A (FAM111 trypsin like peptidase A; plus strand), LOC130005740 (ATAC-STARR-seq lymphoblastoid active region 4748; plus strand). Cytogenetic location: 11q12.1.
Variant type: single nucleotide variant.
Coding change: c.931A>T on transcript NM_001312909.2 (MANE Select); coding-DNA position 931, A replaced by T.
Protein change: p.Ile311Phe; replaces isoleucine 311 with phenylalanine.
Molecular consequence: missense variant.
Genome position (GRCh38, 1-based): chr11:59,152,599, A>T. VCF-style: chr11-59152599-A-T. GRCh37 (hg19) VCF-style: chr11-58920072-A-T.
Other names: c.931A>T, p.Ile311Phe (NM_001142519.3, NM_001142520.3, NM_001142521.3 and 29 more transcripts); short protein forms I311F.
Identifiers: ClinVar variation 982416 (VCV000982416.1), dbSNP rs145826377, ClinGen allele CA380779102.
Genomic context (GRCh38, chr11:59,152,599, plus strand): 5'-GTGTTGAGAGAACAAATCGTGGCTCAGTACCCCAGTTTGAAAAGAGAAAGTGAAAAAATC[A>T]TTGAAAACTTCAAGAAAAAAATGAAAGTAAAAAATGGGGAAACATTATTTGAATTGCATA-3'
Protein context (NP_001299838.1, residues 301-321): PSLKRESEKI[Ile311Phe]ENFKKKMKVK

ClinVar aggregate classification (germline): Likely pathogenic (1 of 4 stars; one submission).

Conditions:
Osteocraniostenosis (GCLEB). Also called: OSTEOCRANIOSPLENIC SYNDROME; HABRODYSPLASIA; Osteocraniostenosis (Gracile Bone Dysplasia). Identifiers: Orphanet 2763, MedGen C1865639, MONDO:0011215, OMIM 602361.

Submission:

HudsonAlpha Institute for Biotechnology
Classification: Likely pathogenic for Osteocraniostenosis. Last evaluated: 2020-07-09. Review status: criteria provided, single submitter. Criteria: ACMG Guidelines, 2015. Collection method: research. Allele origin: de novo. Affected: yes. Observed: 1 variant allele. Study: CSER-SouthSeq.
Comment: ACMG codes:PS2; PM2; PP4